The following is an entry in ClinVar:

NM_000540.3(RYR1):c.282C>T (p.Gly94=)

Gene: RYR1 (ryanodine receptor 1; plus strand). Cytogenetic location: 19q13.2.
Variant type: single nucleotide variant.
Coding change: c.282C>T on transcript NM_000540.3 (MANE Select); coding-DNA position 282, C replaced by T.
Protein change: p.Gly94=; no amino-acid change (glycine 94 retained).
Molecular consequence: synonymous variant.
Genome position (GRCh38, 1-based): chr19:38,443,569, C>T. VCF-style: chr19-38443569-C-T. GRCh37 (hg19) VCF-style: chr19-38934209-C-T.
Other names: c.282C>T, p.Gly94= (NM_001042723.2).
Identifiers: ClinVar variation 579051 (VCV000579051.18), dbSNP rs139629035, ClinGen allele CA064084.
Genomic context (GRCh38, chr19:38,443,569, plus strand): 5'-GGAGAGTCCGGGGATCTGTGCTTATTCTGTTCCCTCCCTCCCCCTGCAGTCATCCCAGGG[C>T]GGGGGACACAGGACGCTCCTGTATGGCCATGCCATCCTGCTCCGGCATGCACACAGCCGC-3'
Protein context (NP_000531.2, residues 84-104): TVEAGVESSQ[Gly94=]GGHRTLLYGH

ClinVar aggregate classification (germline): Conflicting classifications of pathogenicity. Review status: criteria provided, conflicting classifications (1 of 4 stars). 5 submissions from 5 submitters: Uncertain significance (1); Likely benign (4). Last evaluated 2025-03-16.

Conditions:
RYR1-related disorder. Also called: RYR1-related condition; RYR1-related disorders. Identifiers: MedGen CN239331.
Malignant hyperthermia, susceptibility to, 1 (MHS1). Also called: Anesthesia related hyperthermia; Malignant hyperpyrexia; Fulminating hyperpyrexia; Pharmacogenic myopathy; RYR1-Related Malignant Hyperthermia Susceptibility; Malignant hyperthermia suceptibility 1. Identifiers: Orphanet 423, MedGen C2930980, MONDO:0007783, OMIM 145600.

Allele frequency attached by ClinVar (database versions not stated): gnomAD 0.00001; gnomAD exomes 0.00002 and 0.00005; ExAC 0.00003; TOPMed 0.00005; ESP Exome Variant Server 0.00015; 1000 Genomes Project 30x 0.00016; 1000 Genomes Project 0.00020.

Submissions (5):

Labcorp Genetics (formerly Invitae), Labcorp
Classification: Likely benign for RYR1-related disorder. Last evaluated: 2025-03-16. Review status: criteria provided, single submitter. Criteria: Invitae Variant Classification Sherloc (09022015). Collection method: clinical testing. Allele origin: germline.

CeGaT Center for Human Genetics Tuebingen
Classification: Likely benign. Last evaluated: 2025-03-01. Review status: criteria provided, single submitter. Criteria: CeGaT Center For Human Genetics Tuebingen Variant Classification Criteria Version 2. Collection method: clinical testing. Allele origin: germline. Affected: yes. Observed: 1 variant allele.
Comment: RYR1: BP4, BP7

Blueprint Genetics
Classification: Uncertain significance. Last evaluated: 2024-09-18. Review status: criteria provided, single submitter. Criteria: ACMG Guidelines, 2015. Collection method: clinical testing. Allele origin: germline.

Color Diagnostics, LLC DBA Color Health
Classification: Likely benign for Malignant hyperthermia, susceptibility to, 1. Last evaluated: 2022-09-16. Review status: criteria provided, single submitter. Criteria: ACMG Guidelines, 2015. Collection method: clinical testing. Allele origin: germline.

GeneDx
Classification: Likely benign. Last evaluated: 2018-03-27. Review status: criteria provided, single submitter. Criteria: GeneDx Variant Classification (06012015). Collection method: clinical testing. Allele origin: germline. Affected: yes.
Comment: This variant is considered likely benign or benign based on one or more of the following criteria: it is a conservative change, it occurs at a poorly conserved position in the protein, it is predicted to be benign by multiple in silico algorithms, and/or has population frequency not consistent with disease.